The following is an entry in ClinVar:

NM_001378454.1(ALMS1):c.5896A>T (p.Lys1966Ter)

Gene: ALMS1 (ALMS1 centrosome and basal body associated protein; plus strand). Cytogenetic location: 2p13.1.
Variant type: single nucleotide variant.
Coding change: c.5896A>T on transcript NM_001378454.1 (MANE Select); coding-DNA position 5896, A replaced by T.
Protein change: p.Lys1966Ter; replaces lysine 1966 with a stop codon.
Molecular consequence: nonsense.
Genome position (GRCh38, 1-based): chr2:73,452,423, A>T. VCF-style: chr2-73452423-A-T. GRCh37 (hg19) VCF-style: chr2-73679550-A-T.
Other names: c.5899A>T, p.Lys1967Ter (NM_015120.4); short protein forms K1967*, K1966*.
Identifiers: ClinVar variation 1965237 (VCV001965237.6), dbSNP rs2466106782, ClinGen allele CA347283815.

ClinVar aggregate classification (germline): Pathogenic/Likely pathogenic. Review status: criteria provided, multiple submitters, no conflicts (2 of 4 stars). 2 submissions from 2 submitters: Pathogenic (1); Likely pathogenic (1). Last evaluated 2025-02-05.

Conditions:
Alstrom syndrome (ALMS). Identifiers: Orphanet 64, MedGen C0268425, MONDO:0008763, OMIM 203800.

Submissions (2):

Natera, Inc.
Classification: Likely pathogenic for Alstrom syndrome. Last evaluated: 2025-02-05. Review status: criteria provided, single submitter. Criteria: Natera Variant Classification Schema (03/2026). Collection method: clinical testing. Allele origin: germline.
Comment: The c.5899A>T variant in ALMS1 is a nonsense variant predicted to introduce a stop codon at amino acid 1967. This variant is expected to result in nonsense mediated decay, truncation, or a dysfunctional protein product. This variant is rare in the general population with a frequency below the threshold expected for the associated phenotype(s). Given the available evidence, this variant is classified as Likely Pathogenic.

Labcorp Genetics (formerly Invitae), Labcorp
Classification: Pathogenic for Alstrom syndrome. Last evaluated: 2025-01-20. Review status: criteria provided, single submitter. Criteria: Invitae Variant Classification Sherloc (09022015). Collection method: clinical testing. Allele origin: germline.
Comment: This sequence change creates a premature translational stop signal (p.Lys1967*) in the ALMS1 gene. It is expected to result in an absent or disrupted protein product. Loss-of-function variants in ALMS1 are known to be pathogenic (PMID: 17594715). This variant is not present in population databases (gnomAD no frequency). This variant has not been reported in the literature in individuals affected with ALMS1-related conditions. ClinVar contains an entry for this variant (Variation ID: 1965237). For these reasons, this variant has been classified as Pathogenic.

Literature cited by the submitters: PubMed 17594715 (cited by Labcorp Genetics (formerly Invitae), Labcorp).